The following is an entry in ClinVar:

NM_173500.4(TTBK2):c.*185A>G

Gene: TTBK2 (tau tubulin kinase 2; minus strand). Cytogenetic location: 15q15.2.
Variant type: single nucleotide variant.
Coding change: c.*185A>G on transcript NM_173500.4 (MANE Select); 185 bases downstream of the stop codon, A replaced by G.
Molecular consequence: 3 prime UTR variant.
Genome position (GRCh38, 1-based): chr15:42,745,610, T>C on the plus strand (A>G on the coding strand, the complement: TTBK2 is on the minus strand). VCF-style: chr15-42745610-T-C. GRCh37 (hg19) VCF-style: chr15-43037808-T-C.
Identifiers: ClinVar variation 884242 (VCV000884242.4), dbSNP rs376104201, ClinGen allele CA269921393.
Genomic context (GRCh38, chr15:42,745,610, plus strand): 5'-TCTCCCCCTTGGATTTTTGCTCTATTTTTCCTTCTTGTACAAAGACATTGATTCCTAATC[T>C]ACTTGCTGCCTGCCTTAGGTAATTCCTTATCATGTATTATGTCTTCTTATAAATAATTGA-3'

ClinVar aggregate classification (germline): Likely benign (1 of 4 stars; one submission).

Conditions:
Spinocerebellar ataxia type 11 (SCA11). Identifiers: Orphanet 98767, MedGen C1858351, MONDO:0011464, OMIM 604432.

Allele frequency attached by ClinVar (database versions not stated): gnomAD exomes 0.00017; gnomAD 0.00034 and 0.00035; TOPMed 0.00045; 1000 Genomes Project 30x 0.00078; 1000 Genomes Project 0.00080.
gnomAD v4.1: 173 of 726,474 alleles (0.024%); highest among the groups gnomAD compares: East Asian, 0.27%; 1 homozygote.

Submission:

Illumina Laboratory Services, Illumina
Classification: Likely benign for Spinocerebellar ataxia type 11. Last evaluated: 2018-01-13. Review status: criteria provided, single submitter. Criteria: ICSL Variant Classification Criteria 13 December 2019. Collection method: clinical testing. Allele origin: germline.
Comment: This variant was observed in the ICSL laboratory as part of a predisposition screen in an ostensibly healthy population. It had not been previously curated by ICSL or reported in the Human Gene Mutation Database (HGMD: prior to June 1st, 2018), and was therefore a candidate for classification through an automated scoring system. Utilizing variant allele frequency, disease prevalence and penetrance estimates, and inheritance mode, an automated score was calculated to assess if this variant is too frequent to cause the disease. Based on the score and internal cut-off values, a variant classified as likely benign is not then subjected to further curation. The score for this variant resulted in a classification of likely benign for this disease.